The following is an entry in ClinVar:

NM_201384.3(PLEC):c.3955C>T (p.Leu1319=)

Gene: PLEC (plectin; minus strand). Cytogenetic location: 8q24.3.
Variant type: single nucleotide variant.
Coding change: c.3955C>T on transcript NM_201384.3 (MANE Select); coding-DNA position 3955, C replaced by T.
Protein change: p.Leu1319=; no amino-acid change (leucine 1319 retained).
Molecular consequence: synonymous variant.
Genome position (GRCh38, 1-based): chr8:143,926,873, G>A on the plus strand (C>T on the coding strand, the complement: PLEC is on the minus strand). VCF-style: chr8-143926873-G-A. GRCh37 (hg19) VCF-style: chr8-145001041-G-A.
Other names: c.4036C>T, p.Leu1346= (NM_000445.5); c.3913C>T, p.Leu1305= (NM_201378.4); c.3889C>T, p.Leu1297= (NM_201379.3); c.4366C>T, p.Leu1456= (NM_201380.4); c.3859C>T, p.Leu1287= (NM_201381.3); c.3955C>T, p.Leu1319= (NM_201382.4); c.3967C>T, p.Leu1323= (NM_201383.3).
Identifiers: ClinVar variation 592823 (VCV000592823.58), dbSNP rs201416081, ClinGen allele CA4926830.

ClinVar aggregate classification (germline): Conflicting classifications of pathogenicity. Review status: criteria provided, conflicting classifications (1 of 4 stars). 5 submissions from 5 submitters: Uncertain significance (1); Likely benign (3). 1 of the submissions does not count toward it. Last evaluated 2026-01-12.

Conditions:
PLEC-related disorder. Also called: PLEC-related disorders; PLEC-related condition.
Epidermolysis bullosa simplex with nail dystrophy (EBS5D). Identifiers: MedGen C4225309, MONDO:0014661, OMIM 616487.
Epidermolysis bullosa simplex, Ogna type (EBS5A). Also called: Pidermolysis bullosa simplex 5A, Ogna type; EPIDERMOLYSIS BULLOSA SIMPLEX 5A, OGNA TYPE. Identifiers: Orphanet 79401, MedGen C0432317, MONDO:0007555, OMIM 131950.
Epidermolysis bullosa simplex 5C, with pyloric atresia (EBS5C). Also called: PLEC1-Related Epidermolysis Bullosa with Pyloric Atresia; PLEC-Related Epidermolysis Bullosa with Pyloric Atresia; Epidermolysis bullosa simplex with pyloric atresia. Identifiers: Orphanet 158684, MedGen C2677349, MONDO:0012807, OMIM 612138.
Epidermolysis bullosa simplex 5B, with muscular dystrophy (EBS5B). Also called: Epidermolysis bullosa simplex with muscular dystrophy; EPIDERMOLYSIS BULLOSA SIMPLEX AND LIMB-GIRDLE MUSCULAR DYSTROPHY. Identifiers: Orphanet 257, MedGen C2931072, MONDO:0009181, OMIM 226670.
Autosomal recessive limb-girdle muscular dystrophy type 2Q (LGMDR17). Also called: MUSCULAR DYSTROPHY, LIMB-GIRDLE, AUTOSOMAL RECESSIVE 17. Identifiers: Orphanet 254361, MedGen C3150989, MONDO:0013390, OMIM 613723.

Allele frequency attached by ClinVar (database versions not stated): gnomAD 0.00003; ExAC 0.00007; gnomAD exomes 0.00007 and 0.00019; TOPMed 0.00011.

Submissions (5):

Labcorp Genetics (formerly Invitae), Labcorp
Classification: Likely benign for Autosomal recessive limb-girdle muscular dystrophy type 2Q; Epidermolysis bullosa simplex, Ogna type; Epidermolysis bullosa simplex with nail dystrophy; Epidermolysis bullosa simplex 5C, with pyloric atresia; Epidermolysis bullosa simplex 5B, with muscular dystrophy. Last evaluated: 2026-01-12. Review status: criteria provided, single submitter. Criteria: Invitae Variant Classification Sherloc (09022015). Collection method: clinical testing. Allele origin: germline.

CeGaT Center for Human Genetics Tuebingen
Classification: Likely benign. Last evaluated: 2025-12-01. Review status: criteria provided, single submitter. Criteria: CeGaT Center For Human Genetics Tuebingen Variant Classification Criteria Version 2. Collection method: clinical testing. Allele origin: germline. Affected: yes. Observed: 3 variant alleles.
Comment: PLEC: BP4, BP7

Blueprint Genetics
Classification: Likely benign. Last evaluated: 2024-10-25. Review status: criteria provided, single submitter. Criteria: ACMG Guidelines, 2015. Collection method: clinical testing. Allele origin: germline.

Eurofins Ntd Llc (ga)
Classification: Uncertain significance. Last evaluated: 2018-02-06. Review status: criteria provided, single submitter. Criteria: EGL Classification Definitions 2015. Collection method: clinical testing. Allele origin: germline. Observed: 2 variant alleles, 2 heterozygotes.

PreventionGenetics, part of Exact Sciences
Classification: Likely benign for PLEC-related condition. Last evaluated: 2019-05-02. Review status: no assertion criteria provided. Collection method: clinical testing. Allele origin: germline. Not counted in ClinVar's aggregate classification.
Comment: This variant is classified as likely benign based on ACMG/AMP sequence variant interpretation guidelines (Richards et al. 2015 PMID: 25741868, with internal and published modifications).